The following is an entry in ClinVar:

ClinVar aggregate classification (germline): Pathogenic (1 of 4 stars; one submission).

Conditions:
Breast-ovarian cancer, familial, susceptibility to, 2 (BROVCA2). Also called: BRCA2 Hereditary Breast and Ovarian Cancer. Identifiers: Orphanet 145, MedGen C2675520, MONDO:0012933, OMIM 612555. Disease mechanism: loss of function.

Submission:

Myriad Genetics, Inc.
Classification: Pathogenic for Breast-ovarian cancer, familial, susceptibility to, 2. Last evaluated: 2026-09-14. Review status: criteria provided, single submitter. Criteria: Myriad Autosomal Dominant, Autosomal Recessive and X-Linked Classification Criteria (2023). Collection method: clinical testing. Allele origin: unknown.
Comment: This variant is considered pathogenic. This variant creates a frameshift predicted to result in premature protein truncation.

NM_000059.4(BRCA2):c.5602_5603del (p.Asp1868fs)

Gene: BRCA2 (BRCA2 DNA repair associated; plus strand). Cytogenetic location: 13q13.1.
Variant type: Deletion.
Coding change: c.5602_5603del on transcript NM_000059.4 (MANE Select); coding-DNA positions 5602 to 5603, 2 bases deleted (GA; older notation c.5602_5603delGA).
Protein change: p.Asp1868fs; shifts the reading frame from aspartic acid 1868.
Molecular consequence: frameshift variant. On other transcripts: non-coding transcript variant (1), intron variant (2).
Genome position (GRCh38, 1-based): chr13:32,339,957-32,339,958, GA deleted; deleting any 2 consecutive bases within chr13:32,339,956-32,339,958 gives the same sequence; the c. name uses the placement nearest the transcript's 3' end. VCF-style (leftmost placement, unchanged base first): chr13-32339955-CAG-C. GRCh37 (hg19) VCF-style: chr13-32914092-CAG-C.
Other names: c.5602_5603del, p.Asp1868fs (NM_001406719.1, NM_001406720.1, NM_001432077.1); c.1910-4601_1910-4600del (NM_001406721.1); c.425-4601_425-4600del (NM_001406722.1); short protein forms D1868fs.
Identifiers: ClinVar variation 5042287 (VCV005042287.1).
Genomic context (GRCh38, chr13:32,339,955, plus strand): 5'-CCAGTGGTAAAATCGTTTGTGTTTCACATGAAACAATTAAAAAAGTGAAAGACATATTTA[CAG>C]ACAGTTTCAGTAAAGTAATTAAGGAAAACAACGAGAATAAATCAAAAATTTGCCAAACGA-3'